The following is an entry in ClinVar:

NM_014991.6(WDFY3):c.4660C>T (p.Arg1554Ter)

Gene: WDFY3 (WD repeat and FYVE domain containing 3; minus strand). Cytogenetic location: 4q21.23.
Variant type: single nucleotide variant.
Coding change: c.4660C>T on transcript NM_014991.6 (MANE Select); coding-DNA position 4660, C replaced by T.
Protein change: p.Arg1554Ter; replaces arginine 1554 with a stop codon.
Molecular consequence: nonsense.
Genome position (GRCh38, 1-based): chr4:84,774,914, G>A on the plus strand (C>T on the coding strand, the complement: WDFY3 is on the minus strand). VCF-style: chr4-84774914-G-A. GRCh37 (hg19) VCF-style: chr4-85696067-G-A.
Other names: short protein forms R1554*.
Identifiers: ClinVar variation 3893336 (VCV003893336.2).

ClinVar aggregate classification (germline): Pathogenic (1 of 4 stars; one submission).

gnomAD v4.1: 1 of 1,613,946 alleles (0.000062%); highest among the groups gnomAD compares: Non-Finnish European, 0.000085%; no homozygotes.

Submission:

GeneDx
Classification: Pathogenic. Last evaluated: 2026-08-06. Review status: criteria provided, single submitter. Criteria: GeneDx Variant Classification Process June 2021. Collection method: clinical testing. Allele origin: germline.
Comment: Nonsense variant predicted to result in protein truncation or nonsense mediated decay in a gene for which loss of function is a known mechanism of disease; Not observed at significant frequency in large population cohorts (gnomAD); Has not been previously published as pathogenic or benign to our knowledge